The following is an entry in ClinVar:

NM_000143.4(FH):c.774A>T (p.Ala258=)

Gene: FH (fumarate hydratase; minus strand). Cytogenetic location: 1q43.
Variant type: single nucleotide variant.
Coding change: c.774A>T on transcript NM_000143.4 (MANE Select); coding-DNA position 774, A replaced by T.
Protein change: p.Ala258=; no amino-acid change (alanine 258 retained).
Molecular consequence: synonymous variant.
Genome position (GRCh38, 1-based): chr1:241,506,133, T>A on the plus strand (A>T on the coding strand, the complement: FH is on the minus strand). VCF-style: chr1-241506133-T-A. GRCh37 (hg19) VCF-style: chr1-241669433-T-A.
Other names: c.774A>T (NM_000143.3).
Identifiers: ClinVar variation 1115757 (VCV001115757.11), dbSNP rs2147917743, ClinGen allele CA424075967.

ClinVar aggregate classification (germline): Benign/Likely benign. Review status: criteria provided, multiple submitters, no conflicts (2 of 4 stars). 3 submissions from 3 submitters: Benign (1); Likely benign (2). Last evaluated 2026-08-16.

Conditions:
Hereditary leiomyomatosis and renal cell cancer. Also called: Reed syndrome; Multiple cutaneous and uterine leiomyomatosis; Cutaneous leiomyomata with uterine leiomyomata; Leiomyoma, hereditary multiple, of skin; Multiple cutaneous and uterine leiomyomata; MULTIPLE CUTANEOUS AND UTERINE LEIOMYOMATA 1, WITH OR WITHOUT RENAL CELL CARCINOMA. Identifiers: Orphanet 523, MedGen C1708350, MONDO:0007888, OMIM 150800, HP:0007437. Disease mechanism: loss of function.
Hereditary cancer-predisposing syndrome. Also called: Neoplastic Syndromes, Hereditary; Tumor predisposition; Hereditary Cancer Syndrome; Hereditary neoplastic syndrome. Identifiers: Orphanet 140162, MedGen C0027672, MeSH D009386, MONDO:0015356.

Submissions (3):

Ambry Genetics
Classification: Likely benign for Hereditary cancer-predisposing syndrome. Last evaluated: 2026-08-16. Review status: criteria provided, single submitter. Criteria: Ambry Variant Classification Scheme 2023. Collection method: clinical testing. Allele origin: germline.

Myriad Genetics, Inc.
Classification: Benign for Hereditary leiomyomatosis and renal cell cancer. Last evaluated: 2024-10-18. Review status: criteria provided, single submitter. Criteria: Myriad Autosomal Dominant, Autosomal Recessive and X-Linked Classification Criteria (2023). Collection method: clinical testing. Allele origin: unknown.
Comment: This variant is considered benign. This variant is a silent/synonymous amino acid change and it is not expected to impact splicing.

Labcorp Genetics (formerly Invitae), Labcorp
Classification: Likely benign. Last evaluated: 2024-03-06. Review status: criteria provided, single submitter. Criteria: Invitae Variant Classification Sherloc (09022015). Collection method: clinical testing. Allele origin: germline.